The following is an entry in ClinVar:

NM_000709.4(BCKDHA):c.1073A>G (p.Asp358Gly)

Gene: BCKDHA (branched chain keto acid dehydrogenase E1 subunit alpha; plus strand). Cytogenetic location: 19q13.2.
Variant type: single nucleotide variant.
Coding change: c.1073A>G on transcript NM_000709.4 (MANE Select); coding-DNA position 1073, A replaced by G.
Protein change: p.Asp358Gly; replaces aspartic acid 358 with glycine.
Molecular consequence: missense variant.
Genome position (GRCh38, 1-based): chr19:41,423,075, A>G. VCF-style: chr19-41423075-A-G. GRCh37 (hg19) VCF-style: chr19-41928980-A-G.
Other names: c.1070A>G, p.Asp357Gly (NM_001164783.2); short protein forms D357G, D358G.
Identifiers: ClinVar variation 2148745 (VCV002148745.4), dbSNP rs955420750, ClinGen allele CA308525371.

ClinVar aggregate classification (germline): Uncertain significance (1 of 4 stars; one submission).

Conditions:
Maple syrup urine disease (MSUD). Identifiers: Orphanet 511, MedGen C0024776, MeSH D008375, MONDO:0009563. Disease mechanism: loss of function.

Allele frequency attached by ClinVar (database versions not stated): gnomAD exomes below 0.00001; gnomAD 0.00001; TOPMed 0.00001.
gnomAD v4.1: 4 of 1,589,470 alleles (0.00025%); highest among the groups gnomAD compares: Non-Finnish European, 0.00034%; no homozygotes.

Submission:

Labcorp Genetics (formerly Invitae), Labcorp
Classification: Uncertain significance for Maple syrup urine disease. Last evaluated: 2025-10-02. Review status: criteria provided, single submitter. Criteria: Invitae Variant Classification Sherloc (09022015). Collection method: clinical testing. Allele origin: germline.
Comment: This sequence change replaces aspartic acid, which is acidic and polar, with glycine, which is neutral and non-polar, at codon 358 of the BCKDHA protein (p.Asp358Gly). The frequency data for this variant in the population databases is considered unreliable, as metrics indicate poor data quality at this position in the gnomAD database. This variant has not been reported in the literature in individuals affected with BCKDHA-related conditions. ClinVar contains an entry for this variant (Variation ID: 2148745). Invitae Evidence Modeling of protein sequence and biophysical properties (such as structural, functional, and spatial information, amino acid conservation, physicochemical variation, residue mobility, and thermodynamic stability) has been performed for this missense variant. However, the output from this modeling did not meet the statistical confidence thresholds required to predict the impact of this variant on BCKDHA protein function. In summary, the available evidence is currently insufficient to determine the role of this variant in disease. Therefore, it has been classified as a Variant of Uncertain Significance.